The following is an entry in ClinVar:

ClinVar aggregate classification (germline): Pathogenic (1 of 4 stars; one submission).

Allele frequency attached by ClinVar (database versions not stated): gnomAD 0.00001; TOPMed 0.00001; gnomAD exomes 0.00002; ExAC 0.00002.
gnomAD v4.1: 37 of 1,612,576 alleles (0.0023%); highest among the groups gnomAD compares: Non-Finnish European, 0.0029%; no homozygotes.

Submission:

Labcorp Genetics (formerly Invitae), Labcorp
Classification: Pathogenic. Last evaluated: 2025-06-22. Review status: criteria provided, single submitter. Criteria: Invitae Variant Classification Sherloc (09022015). Collection method: clinical testing. Allele origin: germline.
Comment: This sequence change creates a premature translational stop signal (p.Gln151*) in the SKIV2L gene. It is expected to result in an absent or disrupted protein product. Loss-of-function variants in SKIV2L are known to be pathogenic (PMID: 22444670). This variant is present in population databases (rs759032324, gnomAD 0.004%). This variant has not been reported in the literature in individuals affected with SKIV2L-related conditions. ClinVar contains an entry for this variant (Variation ID: 1956140). For these reasons, this variant has been classified as Pathogenic.

Literature cited by the submitters: PubMed 22444670.

NM_006929.5(SKIC2):c.451C>T (p.Gln151Ter)

Gene: SKIC2 (SKI2 subunit of superkiller complex; plus strand). Cytogenetic location: 6p21.33.
Variant type: single nucleotide variant.
Coding change: c.451C>T on transcript NM_006929.5 (MANE Select); coding-DNA position 451, C replaced by T.
Protein change: p.Gln151Ter; replaces glutamine 151 with a stop codon.
Molecular consequence: nonsense.
Genome position (GRCh38, 1-based): chr6:31,960,528, C>T. VCF-style: chr6-31960528-C-T. GRCh37 (hg19) VCF-style: chr6-31928305-C-T.
Other names: short protein forms Q151*.
Identifiers: ClinVar variation 1956140 (VCV001956140.5), dbSNP rs759032324, ClinGen allele CA3729146.
Genomic context (GRCh38, chr6:31,960,528, plus strand): 5'-TCCTTGTCTCTTCGCCGGCCTCCAGGGCCAGCCTCCCAGTCCTTATGGGGAAATCCAACT[C>T]AGTATCCCTTCTGGCCAGGTGACTCTTGTGGAGATGGGATGGTAGAAGAGGGTGTCTTTA-3'